The following is an entry in ClinVar:

ClinVar aggregate classification (germline): Uncertain significance. Review status: criteria provided, multiple submitters, no conflicts (2 of 4 stars). 5 submissions from 5 submitters: Uncertain significance (5). Last evaluated 2025-05-28.

Conditions:
Hypertrophic cardiomyopathy. Also called: HYPERTROPHIC MYOCARDIOPATHY. Identifiers: Orphanet 217569, MedGen C0007194, MeSH D002312, MONDO:0005045, HP:0001639.
Cardiovascular phenotype. Identifiers: MedGen CN230736.
Cardiomyopathy (CMYO). Also called: Cardiomyopathies. Identifiers: Orphanet 167848, MedGen C0878544, MONDO:0004994, HP:0001638. Inheritance: Various modes of inheritance.

Allele frequency attached by ClinVar (database versions not stated): TOPMed 0.00002.
gnomAD v4.1: 14 of 1,613,938 alleles (0.00087%); highest among the groups gnomAD compares: Non-Finnish European, 0.0011%; no homozygotes.

Submissions (5):

Labcorp Genetics (formerly Invitae), Labcorp
Classification: Uncertain significance for Hypertrophic cardiomyopathy. Last evaluated: 2025-05-28. Review status: criteria provided, single submitter. Criteria: Invitae Variant Classification Sherloc (09022015). Collection method: clinical testing. Allele origin: germline.
Comment: This sequence change replaces arginine, which is basic and polar, with tryptophan, which is neutral and slightly polar, at codon 1277 of the MYH7 protein (p.Arg1277Trp). This variant is present in population databases (rs727503248, gnomAD 0.003%). This variant has not been reported in the literature in individuals affected with MYH7-related conditions. ClinVar contains an entry for this variant (Variation ID: 843195). Invitae Evidence Modeling of protein sequence and biophysical properties (such as structural, functional, and spatial information, amino acid conservation, physicochemical variation, residue mobility, and thermodynamic stability) indicates that this missense variant is expected to disrupt MYH7 protein function with a positive predictive value of 95%. In summary, the available evidence is currently insufficient to determine the role of this variant in disease. Therefore, it has been classified as a Variant of Uncertain Significance.

All of Us Research Program, National Institutes of Health
Classification: Uncertain significance for Cardiomyopathy. Last evaluated: 2024-07-20. Review status: criteria provided, single submitter. Criteria: ACMG Guidelines, 2015. Collection method: clinical testing. Allele origin: germline. Inheritance: Autosomal dominant inheritance. Observed: 2 variant alleles, 2 heterozygotes.
Comment: This missense variant replaces arginine with tryptophan at codon 1277 of the MYH7 protein. Computational prediction is inconclusive regarding the impact of this variant on protein structure and function (internally defined REVEL score threshold 0.5 < inconclusive < 0.7, PMID: 27666373). To our knowledge, functional studies have not been reported for this variant. This variant has not been reported in individuals affected with MYH7-related disorders in the literature. This variant has been identified in 2/251432 chromosomes in the general population by the Genome Aggregation Database (gnomAD). The available evidence is insufficient to determine the role of this variant in disease conclusively. Therefore, this variant is classified as a Variant of Uncertain Significance.

This study involves interpretation of variants in research participants for the purpose of population health screening. Participant phenotype was not available at the time of variant classification. Additional details can be found in publication PMID: 35346344, PMCID: PMC8962531

Color Diagnostics, LLC DBA Color Health
Classification: Uncertain significance for Cardiomyopathy. Last evaluated: 2024-07-11. Review status: criteria provided, single submitter. Criteria: ACMG Guidelines, 2015. Collection method: clinical testing. Allele origin: germline.
Comment: This missense variant replaces arginine with tryptophan at codon 1277 of the MYH7 protein. Computational prediction tools indicate that this variant's impact on protein structure and function is inconclusive. To our knowledge, functional studies have not been reported for this variant. This variant has not been reported in individuals affected with MYH7-related disorders in the literature. This variant has been identified in 2/251432 chromosomes in the general population by the Genome Aggregation Database (gnomAD). The available evidence is insufficient to determine the role of this variant in disease conclusively. Therefore, this variant is classified as a Variant of Uncertain Significance.

Ambry Genetics
Classification: Uncertain significance for Cardiovascular phenotype. Last evaluated: 2024-05-07. Review status: criteria provided, single submitter. Criteria: Ambry Variant Classification Scheme 2023. Collection method: clinical testing. Allele origin: germline.
Comment: The p.R1277W variant (also known as c.3829C>T), located in coding exon 26 of the MYH7 gene, results from a C to T substitution at nucleotide position 3829. The arginine at codon 1277 is replaced by tryptophan, an amino acid with dissimilar properties. This amino acid position is well conserved in available vertebrate species. In addition, the in silico prediction for this alteration is inconclusive. Since supporting evidence is limited at this time, the clinical significance of this alteration remains unclear.

Revvity Omics, Revvity
Classification: Uncertain significance. Last evaluated: 2022-05-20. Review status: criteria provided, single submitter. Criteria: ACMG Guidelines, 2015. Collection method: clinical testing. Allele origin: germline.

NM_000257.4(MYH7):c.3829C>T (p.Arg1277Trp)

Gene: MYH7 (myosin heavy chain 7; minus strand). Cytogenetic location: 14q11.2.
Variant type: single nucleotide variant.
Coding change: c.3829C>T on transcript NM_000257.4 (MANE Select); coding-DNA position 3829, C replaced by T.
Protein change: p.Arg1277Trp; replaces arginine 1277 with tryptophan.
Molecular consequence: missense variant.
Genome position (GRCh38, 1-based): chr14:23,419,507, G>A on the plus strand (C>T on the coding strand, the complement: MYH7 is on the minus strand). VCF-style: chr14-23419507-G-A. GRCh37 (hg19) VCF-style: chr14-23888716-G-A.
Other names: short protein forms R1277W.
Identifiers: ClinVar variation 843195 (VCV000843195.19), dbSNP rs727503248, ClinGen allele CA039045.